The following is an entry in ClinVar:

NM_004006.3(DMD):c.1253dup (p.Thr418_Glu419insTer)

Gene: DMD (dystrophin; minus strand). Cytogenetic location: Xp21.1.
Variant type: Duplication.
Coding change: c.1253dup on transcript NM_004006.3 (MANE Select); coding-DNA position 1253, one base duplicated (C; older notation c.1253dupC).
Protein change: p.Thr418_Glu419insTer.
Molecular consequence: frameshift variant.
Genome position (GRCh38, 1-based): chrX:32,644,210, G duplicated on the plus strand (C on the coding strand, the reverse complement: DMD is on the minus strand). VCF-style (leftmost placement, unchanged base first): chrX-32644209-A-AG. GRCh37 (hg19) VCF-style: chrX-32662326-A-AG.
Other names: c.1229dup, p.Thr410_Glu411insTer (NM_000109.4); c.1241dup, p.Thr414_Glu415insTer (NM_004009.3); c.884dup, p.Thr295_Glu296insTer (NM_004010.3).
Identifiers: ClinVar variation 3724899 (VCV003724899.2).

ClinVar aggregate classification (germline): Pathogenic (1 of 4 stars; one submission).

Conditions:
Duchenne muscular dystrophy (DMD). Also called: Duchenne Muscular Dystrophy (DMD); MUSCULAR DYSTROPHY, PSEUDOHYPERTROPHIC PROGRESSIVE, DUCHENNE TYPE. Identifiers: Orphanet 98896, MedGen C0013264, MONDO:0010679, OMIM 310200.

Submission:

Labcorp Genetics (formerly Invitae), Labcorp
Classification: Pathogenic for Duchenne muscular dystrophy. Last evaluated: 2024-11-09. Review status: criteria provided, single submitter. Criteria: Invitae Variant Classification Sherloc (09022015). Collection method: clinical testing. Allele origin: germline.
Comment: This sequence change creates a premature translational stop signal (p.Glu419*) in the DMD gene. It is expected to result in an absent or disrupted protein product. Loss-of-function variants in DMD are known to be pathogenic (PMID: 16770791, 25007885). This variant is not present in population databases (gnomAD no frequency). This premature translational stop signal has been observed in individual(s) with Duchenne muscular dystrophy (PMID: 16883524). For these reasons, this variant has been classified as Pathogenic.

Literature cited by the submitters: PubMed 16770791; PubMed 25007885; PubMed 16883524.